The following is an entry in ClinVar:

ClinVar aggregate classification (germline): Uncertain significance (1 of 4 stars; one submission).

Submission:

Labcorp Genetics (formerly Invitae), Labcorp
Classification: Uncertain significance. Last evaluated: 2022-09-26. Review status: criteria provided, single submitter. Criteria: Invitae Variant Classification Sherloc (09022015). Collection method: clinical testing. Allele origin: germline.
Comment: This sequence change replaces threonine, which is neutral and polar, with asparagine, which is neutral and polar, at codon 500 of the BRD4 protein (p.Thr500Asn). This variant is not present in population databases (gnomAD no frequency). This variant has not been reported in the literature in individuals affected with BRD4-related conditions. Algorithms developed to predict the effect of missense changes on protein structure and function are either unavailable or do not agree on the potential impact of this missense change (SIFT: "Deleterious"; PolyPhen-2: "Benign"; Align-GVGD: "Class C0"). In summary, the available evidence is currently insufficient to determine the role of this variant in disease. Therefore, it has been classified as a Variant of Uncertain Significance.

NM_001379291.1(BRD4):c.1499C>A (p.Thr500Asn)

Gene: BRD4 (bromodomain containing 4; minus strand). Cytogenetic location: 19p13.12.
Variant type: single nucleotide variant.
Coding change: c.1499C>A on transcript NM_001379291.1 (MANE Select); coding-DNA position 1499, C replaced by A.
Protein change: p.Thr500Asn; replaces threonine 500 with asparagine.
Molecular consequence: missense variant.
Genome position (GRCh38, 1-based): chr19:15,257,016, G>T on the plus strand (C>A on the coding strand, the complement: BRD4 is on the minus strand). VCF-style: chr19-15257016-G-T. GRCh37 (hg19) VCF-style: chr19-15367827-G-T.
Other names: c.1499C>A, p.Thr500Asn (NM_001330384.2, NM_001379292.1, NM_014299.3 and 1 more transcripts); short protein forms T500N.
Identifiers: ClinVar variation 1714656 (VCV001714656.5), dbSNP rs2512562147, ClinGen allele CA404522652.